The following is an entry in ClinVar:

NM_147127.5(EVC2):c.3659+3A>C

Gene: EVC2 (EvC ciliary complex subunit 2; minus strand). Cytogenetic location: 4p16.2.
Variant type: single nucleotide variant.
Coding change: c.3659+3A>C on transcript NM_147127.5 (MANE Select); 3 bases into the intron after coding-DNA position 3659, A replaced by C.
Molecular consequence: intron variant.
Genome position (GRCh38, 1-based): chr4:5,565,255, T>G on the plus strand (A>C on the coding strand, the complement: EVC2 is on the minus strand). VCF-style: chr4-5565255-T-G. GRCh37 (hg19) VCF-style: chr4-5566982-T-G.
Other names: c.3419+3A>C (NM_001166136.2).
Identifiers: ClinVar variation 2933481 (VCV002933481.3), dbSNP rs376964499, ClinGen allele CA2740091201.
Genomic context (GRCh38, chr4:5,565,255, plus strand): 5'-CCTGGCCCACAGGCAGCTTAGCTCACCCCCTCCCCAGCCACATGAGCAGGTGCCCATCAT[T>G]ACCTCTGCTTTCTCTTGCGGGCCCACAGCATCTTTTCTAATCCTCTGCTTATCAGATCTC-3'

ClinVar aggregate classification (germline): Uncertain significance (1 of 4 stars; one submission).

Conditions:
Curry-Hall syndrome (WAD). Also called: WEYERS ACRODENTAL DYSOSTOSIS. Identifiers: Orphanet 952, MedGen C0457013, MONDO:0008673, OMIM 193530.
Ellis-van Creveld syndrome (EVC). Also called: EVC-Related Ellis-van Creveld Syndrome; EVC2-Related Ellis-van Creveld Syndrome; MESOECTODERMAL DYSPLASIA; Chondroectodermal dysplasia. Identifiers: Orphanet 289, MedGen C0013903, MONDO:0009162, OMIM 225500.

Submission:

Labcorp Genetics (formerly Invitae), Labcorp
Classification: Uncertain significance for Curry-Hall syndrome; Ellis-van Creveld syndrome. Last evaluated: 2022-11-08. Review status: criteria provided, single submitter. Criteria: Invitae Variant Classification Sherloc (09022015). Collection method: clinical testing. Allele origin: germline.
Comment: In summary, the available evidence is currently insufficient to determine the role of this variant in disease. Therefore, it has been classified as a Variant of Uncertain Significance. Variants that disrupt the consensus splice site are a relatively common cause of aberrant splicing (PMID: 17576681, 9536098). Algorithms developed to predict the effect of sequence changes on RNA splicing suggest that this variant may disrupt the consensus splice site. This variant has not been reported in the literature in individuals affected with EVC2-related conditions. This variant is not present in population databases (gnomAD no frequency). This sequence change falls in intron 21 of the EVC2 gene. It does not directly change the encoded amino acid sequence of the EVC2 protein. It affects a nucleotide within the consensus splice site.

Literature cited by the submitters: PubMed 17576681; PubMed 9536098.